The following is an entry in ClinVar:

ClinVar aggregate classification (germline): Uncertain significance (1 of 4 stars; one submission).

Conditions:
Hereditary cancer-predisposing syndrome. Also called: Tumor predisposition; Hereditary Cancer Syndrome; Neoplastic Syndromes, Hereditary; Hereditary neoplastic syndrome. Identifiers: Orphanet 140162, MedGen C0027672, MeSH D009386, MONDO:0015356.

Allele frequency attached by ClinVar (database versions not stated): gnomAD exomes below 0.00001.
gnomAD v4.1: 4 of 1,613,904 alleles (0.00025%); highest among the groups gnomAD compares: Non-Finnish European, 0.00034%; no homozygotes.

Submission:

Ambry Genetics
Classification: Uncertain significance for Hereditary cancer-predisposing syndrome. Last evaluated: 2023-11-08. Review status: criteria provided, single submitter. Criteria: Ambry Variant Classification Scheme 2023. Collection method: clinical testing. Allele origin: germline.
Comment: The p.Q947E variant (also known as c.2839C>G), located in coding exon 12 of the MET gene, results from a C to G substitution at nucleotide position 2839. The glutamine at codon 947 is replaced by glutamic acid, an amino acid with highly similar properties. This amino acid position is well conserved in available vertebrate species. In addition, this alteration is predicted to be tolerated by in silico analysis. Since supporting evidence is limited at this time, the clinical significance of this alteration remains unclear.

NM_000245.4(MET):c.2785C>G (p.Gln929Glu)

Gene: MET (MET proto-oncogene, receptor tyrosine kinase; plus strand). Cytogenetic location: 7q31.2.
Variant type: single nucleotide variant.
Coding change: c.2785C>G on transcript NM_000245.4 (MANE Select); coding-DNA position 2785, C replaced by G.
Protein change: p.Gln929Glu; replaces glutamine 929 with glutamic acid.
Molecular consequence: missense variant.
Genome position (GRCh38, 1-based): chr7:116,771,552, C>G. VCF-style: chr7-116771552-C-G. GRCh37 (hg19) VCF-style: chr7-116411606-C-G.
Other names: c.2839C>G, p.Gln947Glu (NM_001127500.3); c.1495C>G, p.Gln499Glu (NM_001324402.2); short protein forms Q929E, Q499E, Q947E.
Identifiers: ClinVar variation 1796682 (VCV001796682.2), dbSNP rs2116992030, ClinGen allele CA368986331.